The following is an entry in ClinVar:

ClinVar aggregate classification (germline): Benign/Likely benign. Review status: criteria provided, multiple submitters, no conflicts (2 of 4 stars). 4 submissions from 4 submitters: Benign (1); Likely benign (2). 1 of the submissions does not count toward it. Last evaluated 2026-09-01.

Conditions:
EFEMP1-related disorder. Also called: EFEMP1-related condition.

Allele frequency attached by ClinVar (database versions not stated): gnomAD exomes 0.00048 and 0.00030; 1000 Genomes Project 30x 0.00062; ESP Exome Variant Server 0.00077; gnomAD 0.00090 and 0.00101; TOPMed 0.00102; ExAC 0.00034; 1000 Genomes Project 0.00040.

Submissions (4):

CeGaT Center for Human Genetics Tuebingen
Classification: Likely benign. Last evaluated: 2026-09-01. Review status: criteria provided, single submitter. Criteria: CeGaT Center For Human Genetics Tuebingen Variant Classification Criteria Version 2. Collection method: clinical testing. Allele origin: germline. Affected: yes. Observed: 2 variant alleles.
Comment: EFEMP1: BP4, BP7

Labcorp Genetics (formerly Invitae), Labcorp
Classification: Benign. Last evaluated: 2026-02-01. Review status: criteria provided, single submitter. Criteria: Invitae Variant Classification Sherloc (09022015). Collection method: clinical testing. Allele origin: germline.

Blueprint Genetics
Classification: Likely benign. Last evaluated: 2024-11-08. Review status: criteria provided, single submitter. Criteria: ACMG Guidelines, 2015. Collection method: clinical testing. Allele origin: germline.

PreventionGenetics, part of Exact Sciences
Classification: Likely benign for EFEMP1-related condition. Last evaluated: 2024-09-09. Review status: no assertion criteria provided. Collection method: clinical testing. Allele origin: germline. Not counted in ClinVar's aggregate classification.
Comment: This variant is classified as likely benign based on ACMG/AMP sequence variant interpretation guidelines (Richards et al. 2015 PMID: 25741868, with internal and published modifications).

NM_001039348.3(EFEMP1):c.297C>T (p.Thr99=)

Gene: EFEMP1 (EGF-like fibulin extracellular matrix protein 1; minus strand). Cytogenetic location: 2p16.1.
Variant type: single nucleotide variant.
Coding change: c.297C>T on transcript NM_001039348.3 (MANE Select); coding-DNA position 297, C replaced by T.
Protein change: p.Thr99=; no amino-acid change (threonine 99 retained).
Molecular consequence: synonymous variant.
Genome position (GRCh38, 1-based): chr2:55,917,885, G>A on the plus strand (C>T on the coding strand, the complement: EFEMP1 is on the minus strand). VCF-style: chr2-55917885-G-A. GRCh37 (hg19) VCF-style: chr2-56145020-G-A.
Other names: c.297C>T, p.Thr99= (NM_001039349.3).
Identifiers: ClinVar variation 726660 (VCV000726660.16), dbSNP rs142637468, ClinGen allele CA1668965.
Genomic context (GRCh38, chr2:55,917,885, plus strand): 5'-CACAAAACCACCCCCGGGCAACACTCCACTGGTTGCCATGCTGCTGGCAGCTACAACCCC[G>A]GTGGTTGCCCCTGAGGTTCCTTCTGCTGGTTGTGTTTCCTGCTGAGGCTGTTCATTATTG-3'
Protein context (NP_001034437.1, residues 89-109): QPAEGTSGAT[Thr99=]GVVAASSMAT